The following is an entry in ClinVar:

ClinVar aggregate classification (germline): Conflicting classifications of pathogenicity. Review status: criteria provided, conflicting classifications (1 of 4 stars). 5 submissions from 5 submitters: Uncertain significance (4); Likely benign (1). Last evaluated 2025-09-08.

Conditions:
Cardiovascular phenotype. Identifiers: MedGen CN230736.
Duchenne muscular dystrophy (DMD). Also called: MUSCULAR DYSTROPHY, PSEUDOHYPERTROPHIC PROGRESSIVE, DUCHENNE TYPE; Duchenne Muscular Dystrophy (DMD). Identifiers: Orphanet 98896, MedGen C0013264, MONDO:0010679, OMIM 310200.

Allele frequency attached by ClinVar (database versions not stated): gnomAD 0.00001; TOPMed 0.00001; gnomAD exomes 0.00004.
gnomAD v4.1: 39 of 1,210,420 alleles (0.0032%); highest among the groups gnomAD compares: Non-Finnish European, 0.0042%; no homozygotes.

Submissions (5):

Ambry Genetics
Classification: Likely benign for Cardiovascular phenotype. Last evaluated: 2025-09-08. Review status: criteria provided, single submitter. Criteria: Ambry Variant Classification Scheme 2023. Collection method: clinical testing. Allele origin: germline.

Revvity Omics, Revvity
Classification: Uncertain significance. Last evaluated: 2025-03-25. Review status: criteria provided, single submitter. Criteria: ACMG Guidelines, 2015. Collection method: clinical testing. Allele origin: germline.

Labcorp Genetics (formerly Invitae), Labcorp
Classification: Uncertain significance for Duchenne muscular dystrophy. Last evaluated: 2024-05-10. Review status: criteria provided, single submitter. Criteria: Invitae Variant Classification Sherloc (09022015). Collection method: clinical testing. Allele origin: germline.
Comment: This sequence change replaces arginine, which is basic and polar, with tryptophan, which is neutral and slightly polar, at codon 2830 of the DMD protein (p.Arg2830Trp). This variant is not present in population databases (gnomAD no frequency). This variant has not been reported in the literature in individuals affected with DMD-related conditions. ClinVar contains an entry for this variant (Variation ID: 595344). Advanced modeling of protein sequence and biophysical properties (such as structural, functional, and spatial information, amino acid conservation, physicochemical variation, residue mobility, and thermodynamic stability) performed at Invitae indicates that this missense variant is not expected to disrupt DMD protein function with a negative predictive value of 95%. In summary, the available evidence is currently insufficient to determine the role of this variant in disease. Therefore, it has been classified as a Variant of Uncertain Significance.

GeneDx
Classification: Uncertain significance. Last evaluated: 2021-04-02. Review status: criteria provided, single submitter. Criteria: GeneDx Variant Classification Process June 2021. Collection method: clinical testing. Allele origin: germline. Affected: yes.
Comment: Has not been previously published as pathogenic or benign to our knowledge; Reported in ClinVar as a variant of uncertain significance (ClinVar Variant ID# 595344; Landrum et al., 2016); Not observed in large population cohorts (Lek et al., 2016); In silico analysis supports that this missense variant has a deleterious effect on protein structure/function; Missense variant in a gene in which most reported pathogenic variants are truncating/loss-of-function

Eurofins Ntd Llc (ga)
Classification: Uncertain significance. Last evaluated: 2017-12-11. Review status: criteria provided, single submitter. Criteria: EGL Classification Definitions 2015. Collection method: clinical testing. Allele origin: germline. Observed: 1 variant allele, 1 hemizygote.

NM_004006.3(DMD):c.8488C>T (p.Arg2830Trp)

Gene: DMD (dystrophin; minus strand). Cytogenetic location: Xp21.2.
Variant type: single nucleotide variant.
Coding change: c.8488C>T on transcript NM_004006.3 (MANE Select); coding-DNA position 8488, C replaced by T.
Protein change: p.Arg2830Trp; replaces arginine 2830 with tryptophan.
Molecular consequence: missense variant.
Genome position (GRCh38, 1-based): chrX:31,496,847, G>A on the plus strand (C>T on the coding strand, the complement: DMD is on the minus strand). VCF-style: chrX-31496847-G-A. GRCh37 (hg19) VCF-style: chrX-31514964-G-A.
Other names: c.8464C>T, p.Arg2822Trp (NM_000109.4); c.8476C>T, p.Arg2826Trp (NM_004009.3); c.8119C>T, p.Arg2707Trp (NM_004010.3); c.4465C>T, p.Arg1489Trp (NM_004011.4); c.4456C>T, p.Arg1486Trp (NM_004012.4); c.1108C>T, p.Arg370Trp (NM_004013.3, NM_004020.4, NM_004021.3 and 2 more transcripts); c.301C>T, p.Arg101Trp (NM_004014.3); short protein forms R2830W, R370W, R1486W, R2707W, R2822W, R2826W, R101W, R1489W.
Identifiers: ClinVar variation 595344 (VCV000595344.13), dbSNP rs1569547242, ClinGen allele CA412655478.
Genomic context (GRCh38, chrX:31,496,847, plus strand): 5'-CCCTATGTACATCGTTCTGCTTCTGAACTGCTGGAAAGTCGCCTCCAATAGGTGCCTGCC[G>A]GCTTAATTCATCATCTTTCAGCTGTAGCCACACCAGAAGTTCCTGCAGAGAAAGGTGCAG-3'
Protein context (NP_003997.2, residues 2820-2840): WLQLKDDELS[Arg2830Trp]QAPIGGDFPA